The following is an entry in ClinVar:

ClinVar aggregate classification (germline): Uncertain significance (1 of 4 stars; one submission).

Submission:

Ambry Genetics
Classification: Uncertain significance. Last evaluated: 2025-05-24. Review status: criteria provided, single submitter. Criteria: Ambry Variant Classification Scheme 2023. Collection method: clinical testing. Allele origin: germline.
Comment: The p.G377V variant (also known as c.1130G>T), located in coding exon 9 of the RECQL gene, results from a G to T substitution at nucleotide position 1130. The glycine at codon 377 is replaced by valine, an amino acid with dissimilar properties. This amino acid position is conserved. In addition, this alteration is predicted to be deleterious by in silico analysis. Based on the available evidence, the clinical significance of this variant remains unclear.

NM_002907.4(RECQL):c.1130G>T (p.Gly377Val)

Gene: RECQL (RecQ like helicase; minus strand). Cytogenetic location: 12p12.1.
Variant type: single nucleotide variant.
Coding change: c.1130G>T on transcript NM_002907.4 (MANE Select); coding-DNA position 1130, G replaced by T.
Protein change: p.Gly377Val; replaces glycine 377 with valine.
Molecular consequence: missense variant.
Genome position (GRCh38, 1-based): chr12:21,475,554, C>A on the plus strand (G>T on the coding strand, the complement: RECQL is on the minus strand). VCF-style: chr12-21475554-C-A. GRCh37 (hg19) VCF-style: chr12-21628488-C-A.
Other names: c.1130G>T, p.Gly377Val (NM_032941.3); short protein forms G377V.
Identifiers: ClinVar variation 3944222 (VCV003944222.1).